The following is an entry in ClinVar:

NM_001375524.1(TRRAP):c.1522_1545del (p.Pro508_Pro515del)

Gene: TRRAP (transformation/transcription domain associated protein; plus strand). Cytogenetic location: 7q22.1.
Variant type: Deletion.
Coding change: c.1522_1545del on transcript NM_001375524.1 (MANE Select); coding-DNA positions 1522 to 1545, 24 bases deleted (CCACCCCCGCCCCCACCCCCACCT).
Protein change: p.Pro508_Pro515del.
Molecular consequence: inframe deletion.
Genome position (GRCh38, 1-based): chr7:98,910,227-98,910,250, CCACCCCCGCCCCCACCCCCACCT deleted; deleting any 24 consecutive bases within chr7:98,910,219-98,910,250 gives the same sequence; the c. name uses the placement nearest the transcript's 3' end. VCF-style (leftmost placement, unchanged base first): chr7-98910218-GCCCCACCTCCACCCCCGCCCCCAC-G. GRCh37 (hg19) VCF-style: chr7-98507841-GCCCCACCTCCACCCCCGCCCCCAC-G.
Other names: c.1522_1545del, p.Pro508_Pro515del (NM_001244580.2, NM_003496.4).
Identifiers: ClinVar variation 4985549 (VCV004985549.1).

ClinVar aggregate classification (germline): Likely benign (1 of 4 stars; one submission).

Conditions:
TRRAP-related disorder. Also called: TRRAP-related condition.

Submission:

PreventionGenetics, part of Exact Sciences
Classification: Likely benign for TRRAP-related condition. Last evaluated: 2024-12-14. Review status: criteria provided, single submitter. Criteria: ACMG Guidelines, 2015. Collection method: clinical testing. Allele origin: germline.
Comment: This variant is classified as likely benign based on ACMG/AMP sequence variant interpretation guidelines (Richards et al. 2015 PMID: 25741868, with internal and published modifications).